The following is an entry in ClinVar:

ClinVar aggregate classification (germline): Conflicting classifications of pathogenicity. Review status: criteria provided, conflicting classifications (1 of 4 stars). 8 submissions from 8 submitters: Uncertain significance (7); Likely benign (1). Last evaluated 2026-01-14.

Conditions:
Cardiovascular phenotype. Identifiers: MedGen CN230736.
Familial hypercholesterolemia. Also called: Familial hypercholesterolemias; Familial hypercholesterolaemia. Identifiers: MedGen C0020445, MONDO:0005439.
Hypercholesterolemia, autosomal dominant, 3 (FHCL3). Also called: Familial Hypercholesterolemia, Autosomal Dominant, 3; PCSK9-Related Familial Hypercholesterolemia, Autosomal Dominant; Familial hypercholesterolemia 3. Identifiers: MedGen C1863551, MONDO:0011369, OMIM 603776.
Hypercholesterolemia, familial, 1. Also called: HYPERCHOLESTEROLEMIA, FAMILIAL, MODIFIER OF; LDL RECEPTOR DISORDER; Hyperlipoproteinemia Type IIa; HYPER-LOW-DENSITY-LIPOPROTEINEMIA; HYPERCHOLESTEROLEMIC XANTHOMATOSIS, FAMILIAL; Fredrickson type IIa hyperlipoproteinemia. Identifiers: Orphanet 391665, MedGen C0745103, MONDO:0007750, OMIM 143890.

Allele frequency attached by ClinVar (database versions not stated): ExAC 0.00002; TOPMed 0.00003; gnomAD exomes 0.00004 and 0.00007; gnomAD 0.00005.

Submissions (8):

Labcorp Genetics (formerly Invitae), Labcorp
Classification: Uncertain significance for Hypercholesterolemia, autosomal dominant, 3. Last evaluated: 2026-01-14. Review status: criteria provided, single submitter. Criteria: Invitae Variant Classification Sherloc (09022015). Collection method: clinical testing. Allele origin: germline.
Comment: This sequence change replaces arginine, which is basic and polar, with glutamine, which is neutral and polar, at codon 105 of the PCSK9 protein (p.Arg105Gln). This variant is present in population databases (rs754143671, gnomAD 0.02%). This variant has not been reported in the literature in individuals affected with PCSK9-related conditions. ClinVar contains an entry for this variant (Variation ID: 548107). Invitae Evidence Modeling of protein sequence and biophysical properties (such as structural, functional, and spatial information, amino acid conservation, physicochemical variation, residue mobility, and thermodynamic stability) indicates that this missense variant is expected to disrupt PCSK9 protein function with a positive predictive value of 95%. In summary, the available evidence is currently insufficient to determine the role of this variant in disease. Therefore, it has been classified as a Variant of Uncertain Significance.

Women's Health and Genetics/Laboratory Corporation of America, LabCorp
Classification: Likely benign. Last evaluated: 2025-11-10. Review status: criteria provided, single submitter. Criteria: LabCorp Variant Classification Summary - May 2015. Collection method: clinical testing. Allele origin: germline.
Comment: Variant summary: PCSK9 c.314G>A (p.Arg105Gln) results in a conservative amino acid change in the encoded protein sequence. Algorithms developed to predict the effect of missense changes on protein structure and function are either unavailable or do not agree on the potential impact of this missense change. The variant allele was found at a frequency of 7.2e-05 in 1614088 control chromosomes, predominantly at a frequency of 0.00014 within the South Asian subpopulation in the gnomAD database. The observed variant frequency within South Asian control individuals in the gnomAD database exceeds the estimated maximal expected allele frequency for disease-causing variants in PCSK9. c.314G>A has been observed in at least one individual affected with Hypercholesterolemia without strong evidence for causality (Nguyen_2021). The variant was also reported in an individual with premature coronary heart disease, but not elevated cholesterol, where the proband and other heterozygous family members had lower cholesterol levels than relatives who were non-carriers, however the difference was not statistically significant (Ahmed_2013). These reports do not provide unequivocal conclusions about association of the variant with Familial Hypercholesterolemia. To our knowledge, no experimental evidence demonstrating an impact on protein function has been reported. The following publication has been ascertained in the context of this evaluation (PMID: 23535506). ClinVar contains an entry for this variant (Variation ID: 548107). Based on the evidence outlined above, the variant was classified as likely benign.

Quest Diagnostics Nichols Institute San Juan Capistrano
Classification: Uncertain significance. Last evaluated: 2025-10-24. Review status: criteria provided, single submitter. Criteria: Quest Diagnostics criteria. Collection method: clinical testing. Allele origin: unknown.
Comment: The PCSK9 c.314G>A (p.Arg105Gln) variant has been reported in the published literature in an individual with premature coronary heart disease (PMID: 23535506 (2013)). The proband and other heterozygous carriers from the family showed lower total cholesterol levels than non-carriers. The frequency of this variant in the general population (Genome Aggregation Database) is higher than would generally be expected for pathogenic variants in this gene. Analysis of this variant using bioinformatics tools for the prediction of the effect of amino acid changes on protein structure and function yielded conflicting predictions that this variant is deleterious or benign. Based on the available information, we are unable to determine the clinical significance of this variant.

Ambry Genetics
Classification: Uncertain significance for Cardiovascular phenotype. Last evaluated: 2024-12-12. Review status: criteria provided, single submitter. Criteria: Ambry Variant Classification Scheme 2023. Collection method: clinical testing. Allele origin: germline.
Comment: The p.R105Q variant (also known as c.314G>A), located in coding exon 2 of the PCSK9 gene, results from a G to A substitution at nucleotide position 314. The arginine at codon 105 is replaced by glutamine, an amino acid with highly similar properties. This variant was reported in a familial hypercholesterolemia (FH) cohort; however, individuals with this variant did not meet diagnostic criteria (Ahmed W et al. Clin Chim Acta, 2013 Jun;421:219-25). This amino acid position is not well conserved in available vertebrate species. In addition, the in silico prediction for this alteration is inconclusive. Based on the available evidence, the clinical significance of this variant remains unclear.

All of Us Research Program, National Institutes of Health
Classification: Uncertain significance for Hypercholesterolemia, autosomal dominant, 3. Last evaluated: 2024-08-13. Review status: criteria provided, single submitter. Criteria: ACMG Guidelines, 2015. Collection method: clinical testing. Allele origin: germline. Inheritance: Autosomal dominant inheritance. Observed: 15 variant alleles, 15 heterozygotes.
Comment: This missense variant replaces arginine with glutamine at codon 105 of the PCSK9 protein. Computational prediction suggests that this variant may not impact protein structure and function (internally defined REVEL score threshold <= 0.5, PMID: 27666373). To our knowledge, functional studies have not been reported for this variant. This variant has been reported in an individual affected with premature coronary heart disease (PMID: 23535506). The proband and other heterozygous carriers from the family showed lower total cholesterol levels than non-carriers. This variant has been identified in 12/282734 chromosomes in the general population by the Genome Aggregation Database (gnomAD). The available evidence is insufficient to determine the role of this variant in disease conclusively. Therefore, this variant is classified as a Variant of Uncertain Significance.

This study involves interpretation of variants in research participants for the purpose of population health screening. Participant phenotype was not available at the time of variant classification. Additional details can be found in publication PMID: 35346344, PMCID: PMC8962531

Color Diagnostics, LLC DBA Color Health
Classification: Uncertain significance for Familial hypercholesterolemia. Last evaluated: 2024-02-01. Review status: criteria provided, single submitter. Criteria: ACMG Guidelines, 2015. Collection method: clinical testing. Allele origin: germline.
Comment: This missense variant replaces arginine with glutamine at codon 105 of the PCSK9 protein. Computational prediction tools indicate that this variant has a neutral impact on protein structure and function. To our knowledge, functional studies have not been reported for this variant. This variant has been reported in one individual affected with premature coronary heart disease (PMID: 23535506). This individual and other heterozygous carriers from the family showed lower total cholesterol levels than non-carriers. This variant has been identified in 12/282734 chromosomes in the general population by the Genome Aggregation Database (gnomAD). The available evidence is insufficient to determine the role of this variant in disease conclusively. Therefore, this variant is classified as a Variant of Uncertain Significance.

Fulgent Genetics
Classification: Uncertain significance for Hypercholesterolemia, autosomal dominant, 3. Last evaluated: 2021-09-22. Review status: criteria provided, single submitter. Criteria: ACMG Guidelines, 2015. Collection method: clinical testing. Allele origin: unknown.

Robarts Research Institute, Western University
Classification: Uncertain significance for Hypercholesterolemia, familial, 1. Last evaluated: 2018-01-02. Review status: criteria provided, single submitter. Criteria: ACMG Guidelines, 2015. Collection method: clinical testing. Allele origin: germline. Inheritance: Autosomal dominant inheritance. Affected: yes.

Literature cited by the submitters: PubMed 23535506 (cited by 5 submitters); PubMed 32355288 (cited by Quest Diagnostics Nichols Institute San Juan Capistrano).

NM_174936.4(PCSK9):c.314G>A (p.Arg105Gln)

Gene: PCSK9 (proprotein convertase subtilisin/kexin type 9; plus strand). Cytogenetic location: 1p32.3.
Variant type: single nucleotide variant.
Coding change: c.314G>A on transcript NM_174936.4 (MANE Select); coding-DNA position 314, G replaced by A.
Protein change: p.Arg105Gln; replaces arginine 105 with glutamine.
Molecular consequence: missense variant.
Genome position (GRCh38, 1-based): chr1:55,043,949, G>A. VCF-style: chr1-55043949-G-A. GRCh37 (hg19) VCF-style: chr1-55509622-G-A.
Other names: short protein forms R105Q.
Identifiers: ClinVar variation 548107 (VCV000548107.32), dbSNP rs754143671, ClinGen allele CA041459.